The following is an entry in ClinVar:

NM_001130438.3(SPTAN1):c.7249G>A (p.Ala2417Thr)

Gene: SPTAN1 (spectrin alpha, non-erythrocytic 1; plus strand). Cytogenetic location: 9q34.11.
Variant type: single nucleotide variant.
Coding change: c.7249G>A on transcript NM_001130438.3 (MANE Select); coding-DNA position 7249, G replaced by A.
Protein change: p.Ala2417Thr; replaces alanine 2417 with threonine.
Molecular consequence: missense variant.
Genome position (GRCh38, 1-based): chr9:128,632,896, G>A. VCF-style: chr9-128632896-G-A. GRCh37 (hg19) VCF-style: chr9-131395175-G-A.
Other names: c.7174G>A, p.Ala2392Thr (NM_001195532.2); c.7312G>A, p.Ala2438Thr (NM_001363759.2); c.7189G>A, p.Ala2397Thr (NM_001363765.2); c.7234G>A, p.Ala2412Thr (NM_003127.4); short protein forms A2417T, A2397T, A2438T, A2392T, A2412T.
Identifiers: ClinVar variation 575283 (VCV000575283.7), dbSNP rs143739246, ClinGen allele CA5266042.

ClinVar aggregate classification (germline): Uncertain significance (1 of 4 stars; one submission).

Conditions:
Developmental and epileptic encephalopathy. Identifiers: MedGen C5779964, MONDO:0100620.

Allele frequency attached by ClinVar (database versions not stated): gnomAD exomes below 0.00001; ExAC 0.00001; ESP Exome Variant Server 0.00008.
gnomAD v4.1: 2 of 1,613,864 alleles (0.00012%); highest among the groups gnomAD compares: Non-Finnish European, 0.00017%; no homozygotes.

Submission:

Labcorp Genetics (formerly Invitae), Labcorp
Classification: Uncertain significance for Early-infantile DEE. Last evaluated: 2022-07-05. Review status: criteria provided, single submitter. Criteria: Invitae Variant Classification Sherloc (09022015). Collection method: clinical testing. Allele origin: germline.
Comment: This sequence change replaces alanine, which is neutral and non-polar, with threonine, which is neutral and polar, at codon 2417 of the SPTAN1 protein (p.Ala2417Thr). This variant is not present in population databases (gnomAD no frequency). This variant has not been reported in the literature in individuals affected with SPTAN1-related conditions. ClinVar contains an entry for this variant (Variation ID: 575283). Algorithms developed to predict the effect of missense changes on protein structure and function are either unavailable or do not agree on the potential impact of this missense change (SIFT: "Deleterious"; PolyPhen-2: "Benign"; Align-GVGD: "Class C55"). In summary, the available evidence is currently insufficient to determine the role of this variant in disease. Therefore, it has been classified as a Variant of Uncertain Significance.